The following is an entry in ClinVar:

NM_005236.3(ERCC4):c.974-7G>A

Gene: ERCC4 (ERCC excision repair 4, endonuclease catalytic subunit; plus strand). Cytogenetic location: 16p13.12.
Variant type: single nucleotide variant.
Coding change: c.974-7G>A on transcript NM_005236.3 (MANE Select); 7 bases into the intron before coding-DNA position 974, G replaced by A.
Molecular consequence: intron variant.
Genome position (GRCh38, 1-based): chr16:13,932,150, G>A. VCF-style: chr16-13932150-G-A. GRCh37 (hg19) VCF-style: chr16-14026007-G-A.
Other names: p.?.
Identifiers: ClinVar variation 259686 (VCV000259686.25), dbSNP rs254942, ClinGen allele CA7910327.
Genomic context (GRCh38, chr16:13,932,150, plus strand): 5'-ACCATCAGAGACTGTTTTAAATTAACCATAAATTGATGGCACTTTTTCTTTTAACTTTTC[G>A]TATTAGGTTGGCTGTTTCTTGACTCCAGCACCTCGATGTTTATAAATGCTCGAGCAAGGG-3'

ClinVar aggregate classification (germline): Benign/Likely benign. Review status: criteria provided, multiple submitters, no conflicts (2 of 4 stars). 13 submissions from 11 submitters: Benign (12); Likely benign (1). Last evaluated 2026-02-04.

Conditions:
Xeroderma pigmentosum, group F (XPF). Also called: XERODERMA PIGMENTOSUM, COMPLEMENTATION GROUP F; ERCC4-Related Xeroderma Pigmentosum; XERODERMA PIGMENTOSUM, TYPE F; Xeroderma pigmentosum, type 6; XERODERMA PIGMENTOSUM VI; XP, GROUP F. Identifiers: MedGen C0268140, MONDO:0010215, OMIM 278760.
Fanconi anemia complementation group Q. Identifiers: Orphanet 84, MedGen C3808988, MONDO:0014108, OMIM 615272.
Cockayne syndrome. Identifiers: Orphanet 191, MedGen C0009207, MONDO:0016006.
XFE progeroid syndrome (XFEPS). Also called: XPF-ERCC1 PROGEROID SYNDROME. Identifiers: MedGen C1970416, MONDO:0012590, OMIM 610965.

Allele frequency attached by ClinVar (database versions not stated): 1000 Genomes Project 0.94649; 1000 Genomes Project 30x 0.94894; TOPMed 0.97628; gnomAD 0.97734 and 0.97995; ESP Exome Variant Server 0.98461.
gnomAD v4.1: 1,574,112 of 1,612,468 alleles (98%); highest among the groups gnomAD compares: African/African-American, 100%; 769,252 homozygotes.

Submissions (13):

Labcorp Genetics (formerly Invitae), Labcorp
Classification: Benign for Fanconi anemia complementation group Q; Xeroderma pigmentosum, group F; Cockayne syndrome. Last evaluated: 2026-02-04. Review status: criteria provided, single submitter. Criteria: Invitae Variant Classification Sherloc (09022015). Collection method: clinical testing. Allele origin: germline.

ARUP Laboratories, Molecular Genetics and Genomics, ARUP Laboratories
Classification: Benign. Last evaluated: 2025-07-28. Review status: criteria provided, single submitter. Criteria: ARUP Molecular Germline Variant Investigation Process 2024. Collection method: clinical testing. Allele origin: germline.

Women's Health and Genetics/Laboratory Corporation of America, LabCorp
Classification: Benign. Last evaluated: 2025-07-28. Review status: criteria provided, single submitter. Criteria: LabCorp Variant Classification Summary - May 2015. Collection method: clinical testing. Allele origin: germline.

Blueprint Genetics
Classification: Likely benign. Last evaluated: 2024-11-27. Review status: criteria provided, single submitter. Criteria: ACMG Guidelines, 2015. Collection method: clinical testing. Allele origin: germline.

KCCC/NGS Laboratory, Kuwait Cancer Control Center
Classification: Benign for Xeroderma pigmentosum, group F. Last evaluated: 2023-07-07. Review status: criteria provided, single submitter. Criteria: ACMG Guidelines, 2015. Collection method: clinical testing. Allele origin: germline. Affected: yes.

Mayo Clinic Laboratories, Mayo Clinic
Classification: Benign. Last evaluated: 2022-09-06. Review status: criteria provided, single submitter. Criteria: ACMG Guidelines, 2015. Collection method: clinical testing. Allele origin: germline. Observed: 54 variant alleles.

Genome-Nilou Lab
Classification: Benign for Fanconi anemia complementation group Q. Last evaluated: 2021-07-30. Review status: criteria provided, single submitter. Criteria: ACMG Guidelines, 2015. Collection method: clinical testing. Allele origin: germline. Affected: no.

Genome-Nilou Lab
Classification: Benign for Xeroderma pigmentosum, group F. Last evaluated: 2021-07-30. Review status: criteria provided, single submitter. Criteria: ACMG Guidelines, 2015. Collection method: clinical testing. Allele origin: germline. Affected: no.

Genome-Nilou Lab
Classification: Benign for XFE progeroid syndrome. Last evaluated: 2021-07-30. Review status: criteria provided, single submitter. Criteria: ACMG Guidelines, 2015. Collection method: clinical testing. Allele origin: germline. Affected: no.

GeneDx
Classification: Benign. Last evaluated: 2019-01-14. Review status: criteria provided, single submitter. Criteria: GeneDx Variant Classification Process June 2021. Collection method: clinical testing. Allele origin: germline. Affected: yes.

Illumina Laboratory Services, Illumina
Classification: Benign for Xeroderma pigmentosum, group F. Last evaluated: 2018-01-13. Review status: criteria provided, single submitter. Criteria: ICSL Variant Classification Criteria 13 December 2019. Collection method: clinical testing. Allele origin: germline.
Comment: This variant was observed in the ICSL laboratory as part of a predisposition screen in an ostensibly healthy population. It had not been previously curated by ICSL or reported in the Human Gene Mutation Database (HGMD: prior to June 1st, 2018), and was therefore a candidate for classification through an automated scoring system. Utilizing variant allele frequency, disease prevalence and penetrance estimates, and inheritance mode, an automated score was calculated to assess if this variant is too frequent to cause the disease. Based on the score and internal cut-off values, a variant classified as benign is not then subjected to further curation. The score for this variant resulted in a classification of benign for this disease.

Breakthrough Genomics
Classification: Benign. Review status: criteria provided, single submitter. Criteria: ACMG Guidelines, 2015. Collection method: not provided. Allele origin: germline. Inheritance: Autosomal recessive inheritance. Affected: yes.

PreventionGenetics, part of Exact Sciences
Classification: Benign. Review status: criteria provided, single submitter. Criteria: ACMG Guidelines, 2015. Collection method: clinical testing. Allele origin: germline.